The following is an entry in ClinVar:

ClinVar aggregate classification (germline): Pathogenic. Review status: criteria provided, multiple submitters, no conflicts (2 of 4 stars). 7 submissions from 7 submitters: Pathogenic (6). 1 of the submissions does not count toward it. Last evaluated 2026-01-05.

Conditions:
Maple syrup urine disease type 1B (MSUD1B). Also called: MSUD type IB; MSUD type 3 (formerly); MSUD due to deficiency of e1-beta subunit of branched-chain alpha-keto acid dehydrogenase complex. Identifiers: MedGen C2930990, MONDO:0023692, OMIM 620698.
Maple syrup urine disease (MSUD). Identifiers: Orphanet 511, MedGen C0024776, MeSH D008375, MONDO:0009563. Disease mechanism: loss of function.

Allele frequency attached by ClinVar (database versions not stated): gnomAD 0.00001; TOPMed 0.00001.
gnomAD v4.1: 26 of 1,612,684 alleles (0.0016%); highest among the groups gnomAD compares: Admixed American, 0.0033%; no homozygotes.

Submissions (7):

Natera, Inc.
Classification: Pathogenic for Maple syrup urine disease type 1B. Last evaluated: 2026-01-05. Review status: criteria provided, single submitter. Criteria: Natera Variant Classification Schema (03/2026). Collection method: clinical testing. Allele origin: germline.
Comment: The c.799C>T variant in BCKDHB is a nonsense variant predicted to introduce a stop codon at amino acid 267. This variant is expected to result in nonsense mediated decay, truncation, or a dysfunctional protein product. This variant is rare in the general population with a frequency below the threshold expected for the associated phenotype(s). This variant has been observed in one or more individuals affected with the associated recessive disease, as either homozygous or compound heterozygous with a second variant (PMID: 18378174). Given the available evidence, this variant is classified as Pathogenic.

Labcorp Genetics (formerly Invitae), Labcorp
Classification: Pathogenic for Maple syrup urine disease. Last evaluated: 2024-02-24. Review status: criteria provided, single submitter. Criteria: Invitae Variant Classification Sherloc (09022015). Collection method: clinical testing. Allele origin: germline.
Comment: This sequence change creates a premature translational stop signal (p.Gln267*) in the BCKDHB gene. It is expected to result in an absent or disrupted protein product. Loss-of-function variants in BCKDHB are known to be pathogenic (PMID: 16786533, 22593002). This variant is present in population databases (rs398124594, gnomAD 0.003%). This premature translational stop signal has been observed in individuals with maple syrup urine disease (PMID: 14567968, 16786533, 18378174). ClinVar contains an entry for this variant (Variation ID: 96609). Algorithms developed to predict the effect of sequence changes on RNA splicing suggest that this variant may disrupt the consensus splice site. For these reasons, this variant has been classified as Pathogenic.

Department of Pathology and Laboratory Medicine, Sinai Health System
Classification: Pathogenic for maple syrup urine disease type 1B. Last evaluated: 2023-06-28. Review status: criteria provided, single submitter. Criteria: ACMG Guidelines, 2015. Collection method: research. Allele origin: germline.

Genome-Nilou Lab
Classification: Pathogenic for Maple syrup urine disease type 1A. Last evaluated: 2021-11-07. Review status: criteria provided, single submitter. Criteria: ACMG Guidelines, 2015. Collection method: clinical testing. Allele origin: germline. Affected: no.

Women's Health and Genetics/Laboratory Corporation of America, LabCorp
Classification: Pathogenic for Maple syrup urine disease. Last evaluated: 2019-10-24. Review status: criteria provided, single submitter. Criteria: LabCorp Variant Classification Summary - May 2015. Collection method: clinical testing. Allele origin: germline.
Comment: Variant summary: BCKDHB c.799C>T (p.Gln267X) results in a premature termination codon, predicted to cause a truncation of the encoded protein or absence of the protein due to nonsense mediated decay, which are commonly known mechanisms for disease. Truncations downstream of this position have been classified as pathogenic by our laboratory. The variant allele was found at a frequency of 8e-06 in 251058 control chromosomes (gnomAD). c.799C>T has been reported in the literature in multiple compound heterozygous and homozygous individuals affected with Maple syrup urine disease (Nellis_2003, Rodriguez-Pombo_2006, Quental_2008, Thevenon_2014). These data indicate that the variant is very likely to be associated with disease. At least two publication reported this variant results in <10% of normal activity (Nellis_2003, Rodriguez-Pombo_2006). One ClinVar submitter (evaluation after 2014) cited the variant as pathogenic. Based on the evidence outlined above, the variant was classified as pathogenic.

Eurofins Ntd Llc (ga)
Classification: Pathogenic. Last evaluated: 2013-08-23. Review status: criteria provided, single submitter. Criteria: EGL Classification Definitions. Collection method: clinical testing. Allele origin: germline. Observed: 1 variant allele, 1 heterozygote.

Counsyl
Classification: Likely pathogenic for Maple syrup urine disease. Last evaluated: 2014-10-17. Review status: no assertion criteria provided. Collection method: literature only. Allele origin: unknown. Inheritance: Autosomal recessive inheritance. Not counted in ClinVar's aggregate classification.

Literature cited by the submitters: PubMed 18378174 (cited by 4 submitters); PubMed 16786533 (cited by 3 submitters); PubMed 22593002 (cited by Labcorp Genetics (formerly Invitae), Labcorp); PubMed 14567968 (cited by 3 submitters); PubMed 24995870 (cited by Women's Health and Genetics/Laboratory Corporation of America, LabCorp and Counsyl).

NM_183050.4(BCKDHB):c.799C>T (p.Gln267Ter)

Gene: BCKDHB (branched chain keto acid dehydrogenase E1 subunit beta; plus strand). Cytogenetic location: 6q14.1.
Variant type: single nucleotide variant.
Coding change: c.799C>T on transcript NM_183050.4 (MANE Select); coding-DNA position 799, C replaced by T.
Protein change: p.Gln267Ter; replaces glutamine 267 with a stop codon.
Molecular consequence: nonsense. On other transcripts: non-coding transcript variant (1).
Genome position (GRCh38, 1-based): chr6:80,200,990, C>T. VCF-style: chr6-80200990-C-T. GRCh37 (hg19) VCF-style: chr6-80910707-C-T.
Other names: c.799C>T, p.Gln267Ter (NM_000056.5); c.589C>T, p.Gln197Ter (NM_001318975.1); short protein forms Q267*, Q197*.
Identifiers: ClinVar variation 96609 (VCV000096609.25), dbSNP rs398124594, ClinGen allele CA274241.